The following is an entry in ClinVar:

ClinVar aggregate classification (germline): Uncertain significance (1 of 4 stars; one submission).

Submission:

Labcorp Genetics (formerly Invitae), Labcorp
Classification: Uncertain significance. Last evaluated: 2022-10-19. Review status: criteria provided, single submitter. Criteria: Invitae Variant Classification Sherloc (09022015). Collection method: clinical testing. Allele origin: germline.
Comment: This variant is not present in population databases (gnomAD no frequency). In summary, the available evidence is currently insufficient to determine the role of this variant in disease. Therefore, it has been classified as a Variant of Uncertain Significance. Advanced modeling of protein sequence and biophysical properties (such as structural, functional, and spatial information, amino acid conservation, physicochemical variation, residue mobility, and thermodynamic stability) performed at Invitae indicates that this missense variant is not expected to disrupt CRAT protein function. This variant has not been reported in the literature in individuals affected with CRAT-related conditions. This sequence change replaces aspartic acid, which is acidic and polar, with asparagine, which is neutral and polar, at codon 48 of the CRAT protein (p.Asp48Asn).

NM_000755.5(CRAT):c.142G>A (p.Asp48Asn)

Gene: CRAT (carnitine O-acetyltransferase; minus strand). Cytogenetic location: 9q34.11.
Variant type: single nucleotide variant.
Coding change: c.142G>A on transcript NM_000755.5 (MANE Select); coding-DNA position 142, G replaced by A.
Protein change: p.Asp48Asn; replaces aspartic acid 48 with asparagine.
Molecular consequence: missense variant.
Genome position (GRCh38, 1-based): chr9:129,107,963, C>T on the plus strand (G>A on the coding strand, the complement: CRAT is on the minus strand). VCF-style: chr9-129107963-C-T. GRCh37 (hg19) VCF-style: chr9-131870242-C-T.
Other names: c.79G>A, p.Asp27Asn (NM_001257363.3, NM_001346548.2, NM_004003.4); c.145G>A, p.Asp49Asn (NM_001346546.2); c.142G>A, p.Asp48Asn (NM_001346547.2, NM_001346549.2); short protein forms D27N, D49N, D48N.
Identifiers: ClinVar variation 2070254 (VCV002070254.4), dbSNP rs776164365, ClinGen allele CA375109010.